The following is an entry in ClinVar:

ClinVar aggregate classification (germline): Likely pathogenic (1 of 4 stars; one submission).

Conditions:
Hereditary factor VIII deficiency disease (HEMA). Also called: HEMOPHILIA, CLASSIC; AUTOSOMAL HEMOPHILIA A; Hemophilia A; Hemophilia A, congenital; HEM A; Factor 8 deficiency, congenital. Identifiers: Orphanet 98878, MedGen C0019069, MONDO:0010602, OMIM 306700.

Submission:

Myriad Genetics, Inc.
Classification: Likely pathogenic for Hereditary factor VIII deficiency disease. Last evaluated: 2026-08-25. Review status: criteria provided, single submitter. Criteria: Myriad Autosomal Dominant, Autosomal Recessive and X-Linked Classification Criteria (2023). Collection method: clinical testing. Allele origin: unknown.
Comment: NM_000132.3(F8):c.6976C>G(R2326G) is a missense variant classified as likely pathogenic in the context of hemophilia A. R2326G has been observed in a case with relevant disease (PMID: 10404764). Relevant functional assessments of this variant are not available in the literature. R2326G has not been observed in referenced population frequency databases. In summary, NM_000132.3(F8):c.6976C>G(R2326G) is a missense variant that has been observed more frequently in cases with the relevant disease than in healthy populations. Please note: this variant was assessed in the context of healthy population screening.

Literature cited by the submitters: PubMed 10404764.

NM_000132.4(F8):c.6976C>G (p.Arg2326Gly)

Gene: F8 (coagulation factor VIII; minus strand). Cytogenetic location: Xq28.
Variant type: single nucleotide variant.
Coding change: c.6976C>G on transcript NM_000132.4 (MANE Select); coding-DNA position 6976, C replaced by G.
Protein change: p.Arg2326Gly; replaces arginine 2326 with glycine.
Molecular consequence: missense variant.
Genome position (GRCh38, 1-based): chrX:154,837,677, G>C on the plus strand (C>G on the coding strand, the complement: F8 is on the minus strand). VCF-style: chrX-154837677-G-C. GRCh37 (hg19) VCF-style: chrX-154065952-G-C.
Other names: c.571C>G, p.Arg191Gly (NM_019863.3); short protein forms R191G, R2326G.
Identifiers: ClinVar variation 5004038 (VCV005004038.1).
Genomic context (GRCh38, chrX:154,837,677, plus strand): 5'-CGCAGCCCAGAACCTCCATCCTCAGGGCAATCTGGTGCACCCAACTCTGGGGGTGAATTC[G>C]AAGGTAGCGAGTCAGTAACGGTGGGTCTAGAGAGTTCACCACAGGTGTGAAGGAGTCTTG-3'
Protein context (NP_000123.1, residues 2316-2336): LDPPLLTRYL[Arg2326Gly]IHPQSWVHQI